The following is an entry in ClinVar:

NM_144599.5(NIPA1):c.130T>G (p.Ser44Ala)

Genes: NIPA1 (NIPA magnesium transporter 1; plus strand), LOC130056709 (ATAC-STARR-seq lymphoblastoid silent region 6259; plus strand). Cytogenetic location: 15q11.2.
Variant type: single nucleotide variant.
Coding change: c.130T>G on transcript NM_144599.5 (MANE Select); coding-DNA position 130, T replaced by G.
Protein change: p.Ser44Ala; replaces serine 44 with alanine.
Molecular consequence: missense variant. On other transcripts: intron variant (1).
Genome position (GRCh38, 1-based): chr15:22,786,786, T>G. VCF-style: chr15-22786786-T-G. GRCh37 (hg19) VCF-style: chr15-23086282-A-C.
Other names: c.-48+538T>G (NM_001142275.1); short protein forms S44A.
Identifiers: ClinVar variation 660993 (VCV000660993.2), dbSNP rs1595626779, ClinGen allele CA391298826.

ClinVar aggregate classification (germline): Uncertain significance (1 of 4 stars; one submission).

Conditions:
Hereditary spastic paraplegia 6 (SPG6). Also called: SPASTIC PARAPLEGIA 6, AUTOSOMAL DOMINANT. Identifiers: Orphanet 100988, MedGen C1838192, MONDO:0010878, OMIM 600363.

Submission:

Labcorp Genetics (formerly Invitae), Labcorp
Classification: Uncertain significance for Spastic paraplegia 6. Last evaluated: 2019-01-31. Review status: criteria provided, single submitter. Criteria: Invitae Variant Classification Sherloc (09022015). Collection method: clinical testing. Allele origin: germline.
Comment: This sequence change replaces serine with alanine at codon 44 of the NIPA1 protein (p.Ser44Ala). The serine residue is moderately conserved and there is a moderate physicochemical difference between serine and alanine. This variant is not present in population databases (ExAC no frequency). This variant has not been reported in the literature in individuals with NIPA1-related disease. Algorithms developed to predict the effect of missense changes on protein structure and function are either unavailable or do not agree on the potential impact of this missense change (SIFT: "Deleterious"; PolyPhen-2: "Possibly Damaging"; Align-GVGD: "Class C0"). In summary, the available evidence is currently insufficient to determine the role of this variant in disease. Therefore, it has been classified as a Variant of Uncertain Significance.